The following is an entry in ClinVar:

ClinVar aggregate classification (germline): Uncertain significance (1 of 4 stars; one submission).

Submission:

Labcorp Genetics (formerly Invitae), Labcorp
Classification: Uncertain significance. Last evaluated: 2026-01-29. Review status: criteria provided, single submitter. Criteria: Invitae Variant Classification Sherloc (09022015). Collection method: clinical testing. Allele origin: germline.
Comment: This sequence change affects codon 78 of the CTNNB1 mRNA. It is a 'silent' change, meaning that it does not change the encoded amino acid sequence of the CTNNB1 protein. This variant is not present in population databases (gnomAD no frequency). This variant has not been reported in the literature in individuals affected with CTNNB1-related conditions. Algorithms developed to predict the effect of sequence changes on RNA splicing suggest that this variant may create or strengthen a splice site. In summary, the available evidence is currently insufficient to determine the role of this variant in disease. Therefore, it has been classified as a Variant of Uncertain Significance.

NM_001904.4(CTNNB1):c.234A>G (p.Gln78=)

Genes: CTNNB1 (catenin beta 1; plus strand), LOC126806658 (BRD4-independent group 4 enhancer GRCh37_chr3:41265899-41267098; plus strand). Cytogenetic location: 3p22.1.
Variant type: single nucleotide variant.
Coding change: c.234A>G on transcript NM_001904.4 (MANE Select); coding-DNA position 234, A replaced by G.
Protein change: p.Gln78=; no amino-acid change (glutamine 78 retained).
Molecular consequence: synonymous variant.
Genome position (GRCh38, 1-based): chr3:41,224,746, A>G. VCF-style: chr3-41224746-A-G. GRCh37 (hg19) VCF-style: chr3-41266237-A-G.
Other names: c.234A>G, p.Gln78= (NM_001098209.2, NM_001098210.2, NM_001438871.1 and 4 more transcripts); c.213A>G, p.Gln71= (NM_001330729.2).
Identifiers: ClinVar variation 4696776 (VCV004696776.1).